The following is an entry in ClinVar:

NM_000548.5(TSC2):c.2072G>A (p.Arg691His)

Gene: TSC2 (TSC complex subunit 2; plus strand). Cytogenetic location: 16p13.3.
Variant type: single nucleotide variant.
Coding change: c.2072G>A on transcript NM_000548.5 (MANE Select); coding-DNA position 2072, G replaced by A.
Protein change: p.Arg691His; replaces arginine 691 with histidine.
Molecular consequence: missense variant.
Genome position (GRCh38, 1-based): chr16:2,071,909, G>A. VCF-style: chr16-2071909-G-A. GRCh37 (hg19) VCF-style: chr16-2121910-G-A.
Other names: c.2072G>A, p.Arg691His (NM_001077183.3, NM_001114382.3, NM_001363528.2 and 3 more transcripts); c.1961G>A, p.Arg654His (NM_001318827.2); c.1925G>A, p.Arg642His (NM_001318829.2); c.1472G>A, p.Arg491His (NM_001318831.2); c.2105G>A, p.Arg702His (NM_001318832.2); short protein forms R691H, R654H, R642H, R702H, R491H.
Identifiers: ClinVar variation 580725 (VCV000580725.20), dbSNP rs370553131, ClinGen allele CA276737852.

ClinVar aggregate classification (germline): Conflicting classifications of pathogenicity. Review status: criteria provided, conflicting classifications (1 of 4 stars). 6 submissions from 6 submitters: Uncertain significance (3); Benign (1); Likely benign (2). Last evaluated 2025-12-22.

Conditions:
Hereditary cancer-predisposing syndrome. Also called: Hereditary neoplastic syndrome; Neoplastic Syndromes, Hereditary; Hereditary Cancer Syndrome; Tumor predisposition. Identifiers: Orphanet 140162, MedGen C0027672, MeSH D009386, MONDO:0015356.
Tuberous sclerosis syndrome (TSC). Also called: Tuberous Sclerosis Complex; Tuberous sclerosis. Identifiers: Orphanet 805, MedGen C0041341, MONDO:0001734.
Tuberous sclerosis 2 (TSC2). Identifiers: Orphanet 805, MedGen C1860707, MONDO:0013199, OMIM 613254.

Allele frequency attached by ClinVar (database versions not stated): TOPMed 0.00002.
gnomAD v4.1: 28 of 1,592,226 alleles (0.0018%); highest among the groups gnomAD compares: African/African-American, 0.004%; no homozygotes.

Submissions (6):

Labcorp Genetics (formerly Invitae), Labcorp
Classification: Benign for Tuberous sclerosis 2. Last evaluated: 2025-12-22. Review status: criteria provided, single submitter. Criteria: Invitae Variant Classification Sherloc (09022015). Collection method: clinical testing. Allele origin: germline.

Color Diagnostics, LLC DBA Color Health
Classification: Uncertain significance for Tuberous sclerosis syndrome. Last evaluated: 2025-07-13. Review status: criteria provided, single submitter. Criteria: ACMG Guidelines, 2015. Collection method: clinical testing. Allele origin: germline.
Comment: This missense variant replaces arginine with histidine at codon 691 of the TSC2 protein. Computational prediction is inconclusive regarding the impact of this variant on protein structure and function. To our knowledge, functional studies have not been reported for this variant. This variant has been reported in individuals affected Ciliopathies (PMID: 33226606). This variant has been identified in 4/208152 chromosomes in the general population by the Genome Aggregation Database (gnomAD). The available evidence is insufficient to determine the role of this variant in disease conclusively. Therefore, this variant is classified as a Variant of Uncertain Significance.

Blueprint Genetics
Classification: Likely benign. Last evaluated: 2024-10-03. Review status: criteria provided, single submitter. Criteria: ACMG Guidelines, 2015. Collection method: clinical testing. Allele origin: germline.

All of Us Research Program, National Institutes of Health
Classification: Uncertain significance for Tuberous sclerosis syndrome. Last evaluated: 2024-04-25. Review status: criteria provided, single submitter. Criteria: ACMG Guidelines, 2015. Collection method: clinical testing. Allele origin: germline. Inheritance: Autosomal dominant inheritance. Observed: 4 variant alleles, 4 heterozygotes.
Comment: This missense variant replaces arginine with histidine at codon 691 of the TSC2 protein. Computational prediction is inconclusive regarding the impact of this variant on protein structure and function (internally defined REVEL score threshold 0.5 < inconclusive < 0.7, PMID: 27666373). To our knowledge, functional studies have not been reported for this variant. This variant has been reported in individuals affected Ciliopathies (PMID: 33226606). This variant has been identified in 4/208152 chromosomes in the general population by the Genome Aggregation Database (gnomAD). The available evidence is insufficient to determine the role of this variant in disease conclusively. Therefore, this variant is classified as a Variant of Uncertain Significance.

This study involves interpretation of variants in research participants for the purpose of population health screening. Participant phenotype was not available at the time of variant classification. Additional details can be found in publication PMID: 35346344, PMCID: PMC8962531

Revvity Omics, Revvity
Classification: Uncertain significance for Tuberous sclerosis 2. Last evaluated: 2021-12-08. Review status: criteria provided, single submitter. Criteria: ACMG Guidelines, 2015. Collection method: clinical testing. Allele origin: germline.

Ambry Genetics
Classification: Likely benign for Hereditary cancer-predisposing syndrome. Last evaluated: 2020-08-10. Review status: criteria provided, single submitter. Criteria: Ambry Variant Classification Scheme 2023. Collection method: clinical testing. Allele origin: germline.

Literature cited by the submitters: PubMed 33226606 (cited by Color Diagnostics, LLC DBA Color Health and All of Us Research Program, National Institutes of Health).